The following is an entry in ClinVar:

ClinVar aggregate classification (germline): Uncertain significance (1 of 4 stars; one submission).

Conditions:
Dilated cardiomyopathy 1W (CMD1W). Identifiers: Orphanet 154, MedGen C1969639, MONDO:0012667, OMIM 611407.

gnomAD v4.1: 1 of 1,614,050 alleles (0.000062%); highest among the groups gnomAD compares: East Asian, 0.0022%; no homozygotes.

Submission:

Labcorp Genetics (formerly Invitae), Labcorp
Classification: Uncertain significance for Dilated cardiomyopathy 1W. Last evaluated: 2024-10-04. Review status: criteria provided, single submitter. Criteria: Invitae Variant Classification Sherloc (09022015). Collection method: clinical testing. Allele origin: germline.
Comment: This sequence change replaces serine, which is neutral and polar, with proline, which is neutral and non-polar, at codon 345 of the VCL protein (p.Ser345Pro). This variant is present in population databases (no rsID available, gnomAD 0.006%). This variant has not been reported in the literature in individuals affected with VCL-related conditions. An algorithm developed to predict the effect of missense changes on protein structure and function (PolyPhen-2) suggests that this variant is likely to be tolerated. In summary, the available evidence is currently insufficient to determine the role of this variant in disease. Therefore, it has been classified as a Variant of Uncertain Significance.

NM_014000.3(VCL):c.1033T>C (p.Ser345Pro)

Gene: VCL (vinculin; plus strand). Cytogenetic location: 10q22.2.
Variant type: single nucleotide variant.
Coding change: c.1033T>C on transcript NM_014000.3 (MANE Select); coding-DNA position 1033, T replaced by C.
Protein change: p.Ser345Pro; replaces serine 345 with proline.
Molecular consequence: missense variant.
Genome position (GRCh38, 1-based): chr10:74,089,206, T>C. VCF-style: chr10-74089206-T-C. GRCh37 (hg19) VCF-style: chr10-75848964-T-C.
Other names: c.1033T>C, p.Ser345Pro (NM_003373.4); short protein forms S345P.
Identifiers: ClinVar variation 3613692 (VCV003613692.2).